The following is an entry in ClinVar:

ClinVar aggregate classification (germline): Uncertain significance (1 of 4 stars; one submission).

Conditions:
Hereditary cancer-predisposing syndrome. Also called: Tumor predisposition; Neoplastic Syndromes, Hereditary; Hereditary Cancer Syndrome; Hereditary neoplastic syndrome. Identifiers: Orphanet 140162, MedGen C0027672, MeSH D009386, MONDO:0015356.

Submission:

Ambry Genetics
Classification: Uncertain significance for Hereditary cancer-predisposing syndrome. Last evaluated: 2024-09-03. Review status: criteria provided, single submitter. Criteria: Ambry Variant Classification Scheme 2023. Collection method: clinical testing. Allele origin: germline.
Comment: The p.V402L variant (also known as c.1204G>C), located in coding exon 9 of the BMPR1A gene, results from a G to C substitution at nucleotide position 1204. The valine at codon 402 is replaced by leucine, an amino acid with highly similar properties. This variant was identified in a cohort of 1260 individuals undergoing panel testing for Lynch syndrome due to having a diagnosis of a Lynch-associated cancer and/or polyps (Yurgelun MB et al. Gastroenterology, 2015 Sep;149:604-13.e20). This amino acid position is highly conserved in available vertebrate species. In addition, the in silico prediction for this alteration is inconclusive. Based on the available evidence, the clinical significance of this variant remains unclear.

Literature cited by the submitters: PubMed 25980754.

NM_004329.3(BMPR1A):c.1204G>C (p.Val402Leu)

Gene: BMPR1A (bone morphogenetic protein receptor type 1A; plus strand). Cytogenetic location: 10q23.2.
Variant type: single nucleotide variant.
Coding change: c.1204G>C on transcript NM_004329.3 (MANE Select); coding-DNA position 1204, G replaced by C.
Protein change: p.Val402Leu; replaces valine 402 with leucine.
Molecular consequence: missense variant. On other transcripts: non-coding transcript variant (3).
Genome position (GRCh38, 1-based): chr10:86,921,557, G>C. VCF-style: chr10-86921557-G-C. GRCh37 (hg19) VCF-style: chr10-88681314-G-C.
Other names: c.1279G>C, p.Val427Leu (NM_001406559.1); c.1252G>C, p.Val418Leu (NM_001406560.1); c.1204G>C, p.Val402Leu (NM_001406561.1, NM_001406562.1, NM_001406563.1 and 19 more transcripts); c.1198G>C, p.Val400Leu (NM_001406583.1); c.1120G>C, p.Val374Leu (NM_001406584.1, NM_001406585.1, NM_001406586.1 and 2 more transcripts); c.862G>C, p.Val288Leu (NM_001406589.1); short protein forms V400L, V374L, V402L, V418L, V288L, V427L.
Identifiers: ClinVar variation 3481225 (VCV003481225.1).
Genomic context (GRCh38, chr10:86,921,557, plus strand): 5'-ACCTTGGCTTTCTTTTGTTTCAGTGACACAAATGAAGTTGATGTGCCCTTGAATACCAGG[G>C]TGGGCACCAAACGCTACATGGCTCCCGAAGTGCTGGACGAAAGCCTGAACAAAAACCACT-3'
Protein context (NP_004320.2, residues 392-412): NEVDVPLNTR[Val402Leu]GTKRYMAPEV